The following is an entry in ClinVar:

NM_005208.5(CRYBA1):c.548T>A (p.Leu183Ter)

Gene: CRYBA1 (crystallin beta A1; plus strand). Cytogenetic location: 17q11.2.
Variant type: single nucleotide variant.
Coding change: c.548T>A on transcript NM_005208.5 (MANE Select); coding-DNA position 548, T replaced by A.
Protein change: p.Leu183Ter; replaces leucine 183 with a stop codon.
Molecular consequence: nonsense.
Genome position (GRCh38, 1-based): chr17:29,254,249, T>A. VCF-style: chr17-29254249-T-A. GRCh37 (hg19) VCF-style: chr17-27581267-T-A.
Other names: short protein forms L183*.
Identifiers: ClinVar variation 1376037 (VCV001376037.7), dbSNP rs773038726, ClinGen allele CA398477339.

ClinVar aggregate classification (germline): Uncertain significance. Review status: criteria provided, multiple submitters, no conflicts (2 of 4 stars). 2 submissions from 2 submitters: Uncertain significance (2). Last evaluated 2022-02-08.

Conditions:
Cataract 10 multiple types. Also called: CATARACT 10, CONGENITAL ZONULAR, WITH SUTURAL OPACITIES. Identifiers: Orphanet 91492, MedGen C1833229, MONDO:0010948, OMIM 600881.

Submissions (2):

UNC Molecular Genetics  Laboratory, University of North Carolina at Chapel Hill
Classification: Uncertain significance for Cataract 10 multiple types. Last evaluated: 2022-02-08. Review status: criteria provided, single submitter. Criteria: ACMG Guidelines, 2015. Collection method: research. Allele origin: unknown. Observed: 1 variant allele. Study: CSER_NCGENES_2.
Comment: CRYBA1 c.548T>A p.(Leu183Ter) is a nonsense variant in the last exon of the gene, which is predicted to result in a premature stop codon. This vairiant has not been reported previously in the medical literature or in gnomAD. The gene may escape nonsense-mediated RNA decay and result in a truncated protein which is missing part of the Greek key 4 domain (UniProtKB). However, without clinical or functional evidence, this variant is classified as a variant of uncertain significance.

Labcorp Genetics (formerly Invitae), Labcorp
Classification: Uncertain significance for Cataract 10 multiple types. Last evaluated: 2021-08-18. Review status: criteria provided, single submitter. Criteria: Invitae Variant Classification Sherloc (09022015). Collection method: clinical testing. Allele origin: germline.
Comment: In summary, the available evidence is currently insufficient to determine the role of this variant in disease. Therefore, it has been classified as a Variant of Uncertain Significance. This variant has not been reported in the literature in individuals affected with CRYBA1-related conditions. This variant is not present in population databases (ExAC no frequency). This sequence change creates a premature translational stop signal (p.Leu183*) in the CRYBA1 gene. While this is not anticipated to result in nonsense mediated decay, it is expected to disrupt the last 33 amino acid(s) of the CRYBA1 protein.